The following is an entry in ClinVar:

ClinVar aggregate classification (germline): Likely benign (1 of 4 stars; one submission).

Submission:

CeGaT Center for Human Genetics Tuebingen
Classification: Likely benign. Last evaluated: 2024-05-01. Review status: criteria provided, single submitter. Criteria: CeGaT Center For Human Genetics Tuebingen Variant Classification Criteria Version 2. Collection method: clinical testing. Allele origin: germline. Affected: yes. Observed: 1 variant allele.
Comment: MAGEC1: BS2

NM_005462.5(MAGEC1):c.723del (p.Ser242fs)

Gene: MAGEC1 (MAGE family member C1; plus strand). Cytogenetic location: Xq27.2.
Variant type: Deletion.
Coding change: c.723del on transcript NM_005462.5 (MANE Select); coding-DNA position 723, one base deleted (C; older notation c.723delC).
Protein change: p.Ser242fs; shifts the reading frame from serine 242.
Molecular consequence: frameshift variant.
Genome position (GRCh38, 1-based): chrX:141,906,127, C deleted; the last of 2 consecutive C bases (chrX:141,906,126-141,906,127); deleting either gives the same sequence. VCF-style (leftmost placement, unchanged base first): chrX-141906125-TC-T. GRCh37 (hg19) VCF-style: chrX-140993911-TC-T.
Other names: short protein forms S242fs.
Identifiers: ClinVar variation 3234566 (VCV003234566.20), dbSNP rs745821213, ClinGen allele CA10533293.